The following is an entry in ClinVar:

ClinVar aggregate classification (germline): Conflicting classifications of pathogenicity. Review status: criteria provided, conflicting classifications (1 of 4 stars). 6 submissions from 4 submitters: Uncertain significance (5); Likely benign (1). Last evaluated 2025-12-29.

Conditions:
Hereditary spherocytosis type 3. Also called: SPTA1-Related Spherocytosis; Spherocytosis type 3. Identifiers: Orphanet 822, MedGen C2678338, MONDO:0010053, OMIM 270970.
Pyropoikilocytosis, hereditary. Also called: Pyropoikilocytosis. Identifiers: MedGen C0520739, MONDO:0009948, OMIM 266140, HP:0004839. Disease mechanism: loss of function.
Elliptocytosis 2 (EL2). Also called: ELLIPTOCYTOSIS, RHESUS-UNLINKED TYPE. Identifiers: Orphanet 288, MedGen C1851741, MONDO:0007533, OMIM 130600.

Allele frequency attached by ClinVar (database versions not stated): ExAC 0.00006; gnomAD exomes 0.00006; TOPMed 0.00015.
gnomAD v4.1: 85 of 1,613,450 alleles (0.0053%); highest among the groups gnomAD compares: Middle Eastern, 0.016%; no homozygotes.

Submissions (6):

Center for Genomic Medicine, Rigshospitalet, Copenhagen University Hospital
Classification: Uncertain significance. Last evaluated: 2025-12-29. Review status: criteria provided, single submitter. Criteria: ACMG Guidelines, 2015. Collection method: clinical testing. Allele origin: germline.

Labcorp Genetics (formerly Invitae), Labcorp
Classification: Likely benign. Last evaluated: 2025-02-03. Review status: criteria provided, single submitter. Criteria: Invitae Variant Classification Sherloc (09022015). Collection method: clinical testing. Allele origin: germline.

CeGaT Center for Human Genetics Tuebingen
Classification: Uncertain significance. Last evaluated: 2024-02-01. Review status: criteria provided, single submitter. Criteria: CeGaT Center For Human Genetics Tuebingen Variant Classification Criteria Version 2. Collection method: clinical testing. Allele origin: germline. Affected: yes. Observed: 1 variant allele.
Comment: SPTA1: PM2, BP4

Illumina Laboratory Services, Illumina
Classification: Uncertain significance for Pyropoikilocytosis, hereditary. Last evaluated: 2018-01-12. Review status: criteria provided, single submitter. Criteria: ICSL Variant Classification Criteria 13 December 2019. Collection method: clinical testing. Allele origin: germline.

Illumina Laboratory Services, Illumina
Classification: Uncertain significance for Elliptocytosis 2. Last evaluated: 2018-01-12. Review status: criteria provided, single submitter. Criteria: ICSL Variant Classification Criteria 13 December 2019. Collection method: clinical testing. Allele origin: germline.

Illumina Laboratory Services, Illumina
Classification: Uncertain significance for Hereditary spherocytosis type 3. Last evaluated: 2018-01-12. Review status: criteria provided, single submitter. Criteria: ICSL Variant Classification Criteria 13 December 2019. Collection method: clinical testing. Allele origin: germline.

Literature cited by the submitters: PubMed 34201899 (cited by Center for Genomic Medicine, Rigshospitalet, Copenhagen University Hospital).

NM_003126.4(SPTA1):c.4708G>A (p.Ala1570Thr)

Gene: SPTA1 (spectrin alpha, erythrocytic 1; minus strand). Cytogenetic location: 1q23.1.
Variant type: single nucleotide variant.
Coding change: c.4708G>A on transcript NM_003126.4 (MANE Select); coding-DNA position 4708, G replaced by A.
Protein change: p.Ala1570Thr; replaces alanine 1570 with threonine.
Molecular consequence: missense variant.
Genome position (GRCh38, 1-based): chr1:158,642,440, C>T on the plus strand (G>A on the coding strand, the complement: SPTA1 is on the minus strand). VCF-style: chr1-158642440-C-T. GRCh37 (hg19) VCF-style: chr1-158612230-C-T.
Other names: short protein forms A1570T.
Identifiers: ClinVar variation 876370 (VCV000876370.29), dbSNP rs778626016, ClinGen allele CA1182589.